The following is an entry in ClinVar:

NM_182961.4(SYNE1):c.24694T>C (p.Ser8232Pro)

Gene: SYNE1 (spectrin repeat containing nuclear envelope protein 1; minus strand). Cytogenetic location: 6q25.2.
Variant type: single nucleotide variant.
Coding change: c.24694T>C on transcript NM_182961.4 (MANE Select); coding-DNA position 24694, T replaced by C.
Protein change: p.Ser8232Pro; replaces serine 8232 with proline.
Molecular consequence: missense variant.
Genome position (GRCh38, 1-based): chr6:152,148,327, A>G on the plus strand (T>C on the coding strand, the complement: SYNE1 is on the minus strand). VCF-style: chr6-152148327-A-G. GRCh37 (hg19) VCF-style: chr6-152469462-A-G.
Other names: c.1300T>C, p.Ser434Pro (NM_001347701.2); c.1159T>C, p.Ser387Pro (NM_001347702.2); c.24481T>C, p.Ser8161Pro (NM_033071.5); short protein forms S434P, S8161P, S387P, S8232P.
Identifiers: ClinVar variation 2087379 (VCV002087379.4), dbSNP rs2549963662, ClinGen allele CA366085439.

ClinVar aggregate classification (germline): Uncertain significance (1 of 4 stars; one submission).

Conditions:
Emery-Dreifuss muscular dystrophy 4, autosomal dominant (EDMD4). Also called: EMERY-DREIFUSS MUSCULAR DYSTROPHY 4 WITH VARIABLE FEATURES. Identifiers: Orphanet 261, MedGen C2751807, MONDO:0013071, OMIM 612998.
Autosomal recessive ataxia, Beauce type. Also called: SYNE1 Deficiency; Spinocerebellar ataxia, autosomal recessive 8; ATAXIA, RECESSIVE, OF BEAUCE; SYNE1-Related Autosomal Recessive Cerebellar Ataxia. Identifiers: Orphanet 88644, MedGen C1853116, MONDO:0012549, OMIM 610743.

Allele frequency attached by ClinVar (database versions not stated): gnomAD exomes below 0.00001.
gnomAD v4.1: 1 of 1,614,178 alleles (0.000062%); highest among the groups gnomAD compares: Non-Finnish European, 0.000085%; no homozygotes.

Submission:

Labcorp Genetics (formerly Invitae), Labcorp
Classification: Uncertain significance for Emery-Dreifuss muscular dystrophy 4, autosomal dominant; Autosomal recessive ataxia, Beauce type. Last evaluated: 2026-01-19. Review status: criteria provided, single submitter. Criteria: Invitae Variant Classification Sherloc (09022015). Collection method: clinical testing. Allele origin: germline.
Comment: This sequence change replaces serine, which is neutral and polar, with proline, which is neutral and non-polar, at codon 8161 of the SYNE1 protein (p.Ser8161Pro). This variant is not present in population databases (gnomAD no frequency). This variant has not been reported in the literature in individuals affected with SYNE1-related conditions. ClinVar contains an entry for this variant (Variation ID: 2087379). An algorithm developed to predict the effect of missense changes on protein structure and function (PolyPhen-2) suggests that this variant is likely to be tolerated. In summary, the available evidence is currently insufficient to determine the role of this variant in disease. Therefore, it has been classified as a Variant of Uncertain Significance.